The following is an entry in ClinVar:

ClinVar aggregate classification (germline): Pathogenic. Review status: criteria provided, multiple submitters, no conflicts (2 of 4 stars). 2 submissions from 2 submitters: Pathogenic (2). Last evaluated 2026-08-01.

Submissions (2):

CeGaT Center for Human Genetics Tuebingen
Classification: Pathogenic. Last evaluated: 2026-08-01. Review status: criteria provided, single submitter. Criteria: CeGaT Center For Human Genetics Tuebingen Variant Classification Criteria Version 2. Collection method: clinical testing. Allele origin: germline. Affected: yes. Observed: 1 variant allele.
Comment: ANKRD11: PVS1, PM2, PS4:Supporting

GeneDx
Classification: Pathogenic. Last evaluated: 2022-01-04. Review status: criteria provided, single submitter. Criteria: GeneDx Variant Classification Process June 2021. Collection method: clinical testing. Allele origin: germline. Affected: yes.
Comment: Frameshift variant predicted to result in protein truncation or nonsense mediated decay in a gene for which loss-of-function is a known mechanism of disease; Not observed at significant frequency in large population cohorts (gnomAD); This variant is associated with the following publications: (PMID: 28263302)

NM_013275.6(ANKRD11):c.5174dup (p.Ser1726fs)

Gene: ANKRD11 (ankyrin repeat domain 11; minus strand). Cytogenetic location: 16q24.3.
Variant type: Duplication.
Coding change: c.5174dup on transcript NM_013275.6 (MANE Select); coding-DNA position 5174, one base duplicated (C; older notation c.5174dupC).
Protein change: p.Ser1726fs; shifts the reading frame from serine 1726.
Molecular consequence: frameshift variant.
Genome position (GRCh38, 1-based): chr16:89,281,368, G duplicated on the plus strand (C on the coding strand, the reverse complement: ANKRD11 is on the minus strand); the first of 4 consecutive G bases (chr16:89,281,368-89,281,371); duplicating any one gives the same sequence. VCF-style (leftmost placement, unchanged base first): chr16-89281367-C-CG. GRCh37 (hg19) VCF-style: chr16-89347775-C-CG.
Other names: c.5174dup, p.Ser1726fs (NM_001256182.2, NM_001256183.2); short protein forms S1726fs.
Identifiers: ClinVar variation 1693417 (VCV001693417.3), dbSNP rs2151746011, ClinGen allele CA658790749.